The following is an entry in ClinVar:

NM_000179.3(MSH6):c.706del (p.Gln236fs)

Gene: MSH6 (mutS homolog 6; plus strand). Cytogenetic location: 2p16.3.
Variant type: Deletion.
Coding change: c.706del on transcript NM_000179.3 (MANE Select); coding-DNA position 706, one base deleted (C; older notation c.706delC).
Protein change: p.Gln236fs; shifts the reading frame from glutamine 236.
Molecular consequence: frameshift variant. On other transcripts: 5 prime UTR variant (9), non-coding transcript variant (4), intron variant (1).
Genome position (GRCh38, 1-based): chr2:47,798,689, C deleted. VCF-style (leftmost placement, unchanged base first): chr2-47798688-AC-A. GRCh37 (hg19) VCF-style: chr2-48025827-AC-A.
Other names: c.316del, p.Gln106fs (NM_001281492.2); c.-201del (NM_001281493.2, NM_001281494.2, NM_001406811.1 and 6 more transcripts); c.802del, p.Gln268fs (NM_001406795.1, NM_001406802.1); c.706del, p.Gln236fs (NM_001406796.1, NM_001406798.1, NM_001406800.1 and 4 more transcripts); c.409del, p.Gln137fs (NM_001406797.1, NM_001406801.1, NM_001406805.1 and 10 more transcripts); c.181del, p.Gln61fs (NM_001406799.1, NM_001406806.1, NM_001406807.1); c.628del, p.Gln210fs (NM_001406804.1); c.712del, p.Gln238fs (NM_001406813.1); and 2 more; short protein forms Q106fs, Q137fs, Q180fs, Q210fs, Q236fs, Q238fs, Q268fs, Q61fs.
Identifiers: ClinVar variation 2674013 (VCV002674013.1), dbSNP rs2530566900, ClinGen allele CA2695200242.

ClinVar aggregate classification (germline): Pathogenic (1 of 4 stars; one submission).

Conditions:
Lynch syndrome 5 (LYNCH5). Also called: Colorectal cancer, hereditary nonpolyposis, type 5; Hereditary non-polyposis colorectal cancer, type 5. Identifiers: Orphanet 144, MedGen C1833477, MONDO:0013710, OMIM 614350. Disease mechanism: loss of function.

Submission:

Myriad Genetics, Inc.
Classification: Pathogenic for Lynch syndrome 5. Last evaluated: 2023-11-21. Review status: criteria provided, single submitter. Criteria: Myriad Autosomal Dominant, Autosomal Recessive and X-Linked Classification Criteria (2023). Collection method: clinical testing. Allele origin: unknown.
Comment: This variant is considered pathogenic. This variant creates a frameshift predicted to result in premature protein truncation.